The following is an entry in ClinVar:

NM_005188.4(CBL):c.1220C>A (p.Ser407Tyr)

Gene: CBL (Cbl proto-oncogene; plus strand). Cytogenetic location: 11q23.3.
Variant type: single nucleotide variant.
Coding change: c.1220C>A on transcript NM_005188.4 (MANE Select); coding-DNA position 1220, C replaced by A.
Protein change: p.Ser407Tyr; replaces serine 407 with tyrosine.
Molecular consequence: missense variant.
Genome position (GRCh38, 1-based): chr11:119,278,290, C>A. VCF-style: chr11-119278290-C-A. GRCh37 (hg19) VCF-style: chr11-119149000-C-A.
Other names: short protein forms S407Y.
Identifiers: ClinVar variation 1380149 (VCV001380149.11), dbSNP rs2135303902, ClinGen allele CA382912903.

ClinVar aggregate classification (germline): Conflicting classifications of pathogenicity. Review status: criteria provided, conflicting classifications (1 of 4 stars). 3 submissions from 3 submitters: Likely pathogenic (1); Uncertain significance (2). Last evaluated 2025-01-11.

Conditions:
RASopathy. Also called: rasopathies; Noonan spectrum disorder. Identifiers: Orphanet 536391, MedGen C5555857, MONDO:0021060.
Cardiovascular phenotype. Identifiers: MedGen CN230736.

Submissions (3):

GeneDx
Classification: Likely pathogenic. Last evaluated: 2025-01-11. Review status: criteria provided, single submitter. Criteria: GeneDx Variant Classification Process June 2021. Collection method: clinical testing. Allele origin: germline. Affected: yes.
Comment: Not observed at significant frequency in large population cohorts (gnomAD); In silico analysis supports that this missense variant has a deleterious effect on protein structure/function; Has not been previously published as pathogenic or benign to our knowledge; This variant is associated with the following publications: (PMID: 20619386, 22315494)

Labcorp Genetics (formerly Invitae), Labcorp
Classification: Uncertain significance for RASopathy. Last evaluated: 2024-09-27. Review status: criteria provided, single submitter. Criteria: Invitae Variant Classification Sherloc (09022015). Collection method: clinical testing. Allele origin: germline.
Comment: This sequence change replaces serine, which is neutral and polar, with tyrosine, which is neutral and polar, at codon 407 of the CBL protein (p.Ser407Tyr). This variant is not present in population databases (gnomAD no frequency). This variant has not been reported in the literature in individuals affected with CBL-related conditions. ClinVar contains an entry for this variant (Variation ID: 1380149). Invitae Evidence Modeling of protein sequence and biophysical properties (such as structural, functional, and spatial information, amino acid conservation, physicochemical variation, residue mobility, and thermodynamic stability) has been performed for this missense variant. However, the output from this modeling did not meet the statistical confidence thresholds required to predict the impact of this variant on CBL protein function. In summary, the available evidence is currently insufficient to determine the role of this variant in disease. Therefore, it has been classified as a Variant of Uncertain Significance.

Ambry Genetics
Classification: Uncertain significance for Cardiovascular phenotype. Last evaluated: 2022-09-16. Review status: criteria provided, single submitter. Criteria: Ambry Variant Classification Scheme 2023. Collection method: clinical testing. Allele origin: germline.
Comment: The p.S407Y variant (also known as c.1220C>A), located in coding exon 8 of the CBL gene, results from a C to A substitution at nucleotide position 1220. The serine at codon 407 is replaced by tyrosine, an amino acid with dissimilar properties. This amino acid position is conserved. In addition, the in silico prediction for this alteration is inconclusive. Since supporting evidence is limited at this time, the clinical significance of this alteration remains unclear.